The following is an entry in ClinVar:

ClinVar aggregate classification (germline): Benign. Review status: criteria provided, multiple submitters, no conflicts (2 of 4 stars). 6 submissions from 6 submitters: Benign (5). 1 of the submissions does not count toward it. Last evaluated 2026-07-01.

Conditions:
CACNA1G-related disorder. Also called: CACNA1G-related condition; CACNA1G-related disorders.

Allele frequency attached by ClinVar (database versions not stated): 1000 Genomes Project 30x 0.00265; 1000 Genomes Project 0.00280; ESP Exome Variant Server 0.00729; TOPMed 0.00740.

Submissions (6):

CeGaT Center for Human Genetics Tuebingen
Classification: Benign. Last evaluated: 2026-07-01. Review status: criteria provided, single submitter. Criteria: CeGaT Center For Human Genetics Tuebingen Variant Classification Criteria Version 2. Collection method: clinical testing. Allele origin: germline. Affected: yes. Observed: 59 variant alleles.
Comment: CACNA1G: BS1, BS2

Labcorp Genetics (formerly Invitae), Labcorp
Classification: Benign. Last evaluated: 2026-01-24. Review status: criteria provided, single submitter. Criteria: Invitae Variant Classification Sherloc (09022015). Collection method: clinical testing. Allele origin: germline.

Mayo Clinic Laboratories, Mayo Clinic
Classification: Benign. Last evaluated: 2023-06-15. Review status: criteria provided, single submitter. Criteria: ACMG Guidelines, 2015. Collection method: clinical testing. Allele origin: germline. Observed: 13 variant alleles.
Comment: BS1, BS2

GeneDx
Classification: Benign. Last evaluated: 2021-05-25. Review status: criteria provided, single submitter. Criteria: GeneDx Variant Classification Process June 2021. Collection method: clinical testing. Allele origin: germline. Affected: yes.
Comment: This variant is associated with the following publications: (PMID: 31404076)

Breakthrough Genomics
Classification: Benign. Review status: criteria provided, single submitter. Criteria: ACMG Guidelines, 2015. Collection method: not provided. Allele origin: germline. Inheritance: Autosomal dominant inheritance. Affected: yes.

PreventionGenetics, part of Exact Sciences
Classification: Benign for CACNA1G-related condition. Last evaluated: 2021-10-12. Review status: no assertion criteria provided. Collection method: clinical testing. Allele origin: germline. Not counted in ClinVar's aggregate classification.
Comment: This variant is classified as benign based on ACMG/AMP sequence variant interpretation guidelines (Richards et al. 2015 PMID: 25741868, with internal and published modifications).

NM_018896.5(CACNA1G):c.1367G>A (p.Arg456Gln)

Gene: CACNA1G (calcium voltage-gated channel subunit alpha1 G; plus strand). Cytogenetic location: 17q21.33.
Variant type: single nucleotide variant.
Coding change: c.1367G>A on transcript NM_018896.5 (MANE Select); coding-DNA position 1367, G replaced by A.
Protein change: p.Arg456Gln; replaces arginine 456 with glutamine.
Molecular consequence: missense variant. On other transcripts: non-coding transcript variant (5).
Genome position (GRCh38, 1-based): chr17:50,575,769, G>A. VCF-style: chr17-50575769-G-A. GRCh37 (hg19) VCF-style: chr17-48653130-G-A.
Other names: p.Arg456Gln; c.1367G>A, p.Arg456Gln (NM_001256324.2, NM_001256325.2, NM_001256326.2 and 24 more transcripts); short protein forms R456Q.
Identifiers: ClinVar variation 771920 (VCV000771920.45), dbSNP rs116920450, ClinGen allele CA8652162.
Genomic context (GRCh38, chr17:50,575,769, plus strand): 5'-TGCTCAAGTACCTGGTGTACATCCTTCGTAAGGCAGCCCGCAGGCTGGCTCAGGTCTCTC[G>A]GGCAGCAGGTGTGCGGGTTGGGCTGCTCAGCAGCCCAGCACCCCTCGGGGGCCAGGAGAC-3'
Protein context (NP_061496.2, residues 446-466): KAARRLAQVS[Arg456Gln]AAGVRVGLLS